The following is an entry in ClinVar:

NM_000395.3(CSF2RB):c.1394T>A (p.Ile465Asn)

Gene: CSF2RB (colony stimulating factor 2 receptor subunit beta; plus strand). Cytogenetic location: 22q12.3.
Variant type: single nucleotide variant.
Coding change: c.1394T>A on transcript NM_000395.3 (MANE Select); coding-DNA position 1394, T replaced by A.
Protein change: p.Ile465Asn; replaces isoleucine 465 with asparagine.
Molecular consequence: missense variant.
Genome position (GRCh38, 1-based): chr22:36,935,429, T>A. VCF-style: chr22-36935429-T-A. GRCh37 (hg19) VCF-style: chr22-37331471-T-A.
Other names: c.1412T>A, p.Ile471Asn (NM_001410827.1); short protein forms I465N, I471N.
Identifiers: ClinVar variation 4773838 (VCV004773838.1).

ClinVar aggregate classification (germline): Uncertain significance (1 of 4 stars; one submission).

gnomAD v4.1: 2 of 1,614,196 alleles (0.00012%); highest among the groups gnomAD compares: Non-Finnish European, 0.00017%; no homozygotes.

Submission:

Labcorp Genetics (formerly Invitae), Labcorp
Classification: Uncertain significance. Last evaluated: 2025-08-04. Review status: criteria provided, single submitter. Criteria: Invitae Variant Classification Sherloc (09022015). Collection method: clinical testing. Allele origin: germline.
Comment: This sequence change replaces isoleucine, which is neutral and non-polar, with asparagine, which is neutral and polar, at codon 465 of the CSF2RB protein (p.Ile465Asn). This variant is not present in population databases (gnomAD no frequency). This variant has not been reported in the literature in individuals affected with CSF2RB-related conditions. Invitae Evidence Modeling of protein sequence and biophysical properties (such as structural, functional, and spatial information, amino acid conservation, physicochemical variation, residue mobility, and thermodynamic stability) indicates that this missense variant is not expected to disrupt CSF2RB protein function with a negative predictive value of 80%. In summary, the available evidence is currently insufficient to determine the role of this variant in disease. Therefore, it has been classified as a Variant of Uncertain Significance.